The following is an entry in ClinVar:

NM_020066.5(FMN2):c.2787A>G (p.Ala929=)

Gene: FMN2 (formin 2; plus strand). Cytogenetic location: 1q43.
Variant type: single nucleotide variant.
Coding change: c.2787A>G on transcript NM_020066.5 (MANE Select); coding-DNA position 2787, A replaced by G.
Protein change: p.Ala929=; no amino-acid change (alanine 929 retained).
Molecular consequence: synonymous variant. On other transcripts: intron variant (1).
Genome position (GRCh38, 1-based): chr1:240,207,599, A>G. VCF-style: chr1-240207599-A-G. GRCh37 (hg19) VCF-style: chr1-240370899-A-G.
Other names: c.2799A>G, p.Ala933= (NM_001305424.2); c.1986+19337A>G (NM_001348094.2).
Identifiers: ClinVar variation 1298465 (VCV001298465.36), dbSNP rs776163265, ClinGen allele CA1476742.

ClinVar aggregate classification (germline): Likely benign. Review status: criteria provided, multiple submitters, no conflicts (2 of 4 stars). 2 submissions from 2 submitters: Likely benign (2). Last evaluated 2026-06-01.

Allele frequency attached by ClinVar (database versions not stated): gnomAD exomes 0.00003; ExAC 0.00004.

Submissions (2):

CeGaT Center for Human Genetics Tuebingen
Classification: Likely benign. Last evaluated: 2026-06-01. Review status: criteria provided, single submitter. Criteria: CeGaT Center For Human Genetics Tuebingen Variant Classification Criteria Version 2. Collection method: clinical testing. Allele origin: germline. Affected: yes. Observed: 5 variant alleles.
Comment: FMN2: BP4, BP7

Breakthrough Genomics
Classification: Likely benign. Review status: criteria provided, single submitter. Criteria: ACMG Guidelines, 2015. Collection method: not provided. Allele origin: germline. Inheritance: Autosomal recessive inheritance. Affected: yes.